The following is an entry in ClinVar:

ClinVar aggregate classification (germline): Uncertain significance (1 of 4 stars; one submission).

Conditions:
Inborn genetic diseases. Identifiers: MedGen C0950123, MeSH D030342.

Submission:

Ambry Genetics
Classification: Uncertain significance for Inborn genetic diseases. Last evaluated: 2026-06-15. Review status: criteria provided, single submitter. Criteria: Ambry Variant Classification Scheme 2023. Collection method: clinical testing. Allele origin: germline.
Comment: The p.N178H variant (also known as c.532A>C), located in coding exon 3 of the ERCC6L2 gene, results from an A to C substitution at nucleotide position 532. The asparagine at codon 178 is replaced by histidine, an amino acid with similar properties. This amino acid position is conserved. In addition, the in silico prediction for this alteration is inconclusive. Based on the available evidence, the clinical significance of this variant remains unclear.

NM_020207.7(ERCC6L2):c.532A>C (p.Asn178His)

Gene: ERCC6L2 (ERCC excision repair 6 like 2; plus strand). Cytogenetic location: 9q22.32.
Variant type: single nucleotide variant.
Coding change: c.532A>C on transcript NM_020207.7 (MANE Select); coding-DNA position 532, A replaced by C.
Protein change: p.Asn178His; replaces asparagine 178 with histidine.
Molecular consequence: missense variant. On other transcripts: non-coding transcript variant (1).
Genome position (GRCh38, 1-based): chr9:95,897,909, A>C. VCF-style: chr9-95897909-A-C. GRCh37 (hg19) VCF-style: chr9-98660191-A-C.
Other names: c.532A>C, p.Asn178His (NM_001010895.4, NM_001375291.1, NM_001375292.1 and 2 more transcripts); short protein forms N178H.
Identifiers: ClinVar variation 5036068 (VCV005036068.1).
Genomic context (GRCh38, chr9:95,897,909, plus strand): 5'-GTTATTTCATTTCTGGCTGCAGTTTTGCATAAAAAGGGAACTCGTGAGGATATTGAAAAT[A>C]ACATGCCAGAGTTTTTACTAAGAAGTATGAAAAAGGAACCCCTTTCTTCTACAGCAAAAA-3'
Protein context (NP_064592.3, residues 168-188): KKGTREDIEN[Asn178His]MPEFLLRSMK